The following is an entry in ClinVar:

ClinVar aggregate classification (germline): Uncertain significance. Review status: criteria provided, multiple submitters, no conflicts (2 of 4 stars). 4 submissions from 4 submitters: Uncertain significance (4). Last evaluated 2026-01-23.

Conditions:
Familial melanoma. Also called: Hereditary melanoma; Hereditary cutaneous melanoma. Identifiers: Orphanet 618, MedGen C1512419, MONDO:0018961.
Hereditary cancer-predisposing syndrome. Also called: Hereditary neoplastic syndrome; Neoplastic Syndromes, Hereditary; Hereditary Cancer Syndrome; Tumor predisposition. Identifiers: Orphanet 140162, MedGen C0027672, MeSH D009386, MONDO:0015356.

Submissions (4):

Women's Health and Genetics/Laboratory Corporation of America, LabCorp
Classification: Uncertain significance. Last evaluated: 2026-01-23. Review status: criteria provided, single submitter. Criteria: LabCorp Variant Classification Summary - May 2015. Collection method: clinical testing. Allele origin: germline.

Labcorp Genetics (formerly Invitae), Labcorp
Classification: Uncertain significance for Familial melanoma. Last evaluated: 2025-10-26. Review status: criteria provided, single submitter. Criteria: Invitae Variant Classification Sherloc (09022015). Collection method: clinical testing. Allele origin: germline.
Comment: This sequence change replaces glycine, which is neutral and non-polar, with arginine, which is basic and polar, at codon 253 of the CDK4 protein (p.Gly253Arg). This variant is not present in population databases (gnomAD no frequency). This variant has not been reported in the literature in individuals affected with CDK4-related conditions. ClinVar contains an entry for this variant (Variation ID: 948472). Invitae Evidence Modeling of protein sequence and biophysical properties (such as structural, functional, and spatial information, amino acid conservation, physicochemical variation, residue mobility, and thermodynamic stability) indicates that this missense variant is not expected to disrupt CDK4 protein function with a negative predictive value of 95%. In summary, the available evidence is currently insufficient to determine the role of this variant in disease. Therefore, it has been classified as a Variant of Uncertain Significance.

Ambry Genetics
Classification: Uncertain significance for Hereditary cancer-predisposing syndrome. Last evaluated: 2024-10-18. Review status: criteria provided, single submitter. Criteria: Ambry Variant Classification Scheme 2023. Collection method: clinical testing. Allele origin: germline.
Comment: The p.G253R variant (also known as c.757G>C), located in coding exon 6 of the CDK4 gene, results from a G to C substitution at nucleotide position 757. The glycine at codon 253 is replaced by arginine, an amino acid with dissimilar properties. This amino acid position is not well conserved in available vertebrate species. In addition, this alteration is predicted to be tolerated by in silico analysis. Since supporting evidence is limited at this time, the clinical significance of this alteration remains unclear.

GeneDx
Classification: Uncertain significance. Last evaluated: 2023-07-24. Review status: criteria provided, single submitter. Criteria: GeneDx Variant Classification Process June 2021. Collection method: clinical testing. Allele origin: germline.
Comment: Not observed at significant frequency in large population cohorts (gnomAD); In silico analysis supports that this missense variant does not alter protein structure/function; Has not been previously published as pathogenic or benign to our knowledge

NM_000075.4(CDK4):c.757G>C (p.Gly253Arg)

Genes: TSPAN31 (tetraspanin 31; plus strand), CDK4 (cyclin dependent kinase 4; minus strand). Cytogenetic location: 12q14.1.
Variant type: single nucleotide variant.
Coding change: c.757G>C on transcript NM_000075.4 (MANE Select); coding-DNA position 757, G replaced by C.
Protein change: p.Gly253Arg; replaces glycine 253 with arginine.
Molecular consequence: missense variant. On other transcripts: 3 prime UTR variant (3).
Genome position (GRCh38, 1-based): chr12:57,749,244, C>G on the plus strand (G>C on the coding strand, the complement: CDK4 is on the minus strand). VCF-style: chr12-57749244-C-G. GRCh37 (hg19) VCF-style: chr12-58143027-C-G.
Other names: c.*1954C>G (NM_001330168.2, NM_001330169.2, NM_005981.5); short protein forms G253R.
Identifiers: ClinVar variation 948472 (VCV000948472.17), dbSNP rs1955201304, ClinGen allele CA385543311.